The following is an entry in ClinVar:

NM_006767.4(LZTR1):c.381G>T (p.Gly127=)

Gene: LZTR1 (leucine zipper like post translational regulator 1; plus strand). Cytogenetic location: 22q11.21.
Variant type: single nucleotide variant.
Coding change: c.381G>T on transcript NM_006767.4 (MANE Select); coding-DNA position 381, G replaced by T.
Protein change: p.Gly127=; no amino-acid change (glycine 127 retained).
Molecular consequence: synonymous variant.
Genome position (GRCh38, 1-based): chr22:20,987,564, G>T. VCF-style: chr22-20987564-G-T. GRCh37 (hg19) VCF-style: chr22-21341853-G-T.
Other names: c.381G>T (NM_006767.3).
Identifiers: ClinVar variation 2856824 (VCV002856824.4), dbSNP rs2147961498, ClinGen allele CA513489150.

ClinVar aggregate classification (germline): Conflicting classifications of pathogenicity. Review status: criteria provided, conflicting classifications (1 of 4 stars). 2 submissions from 2 submitters: Uncertain significance (1); Likely benign (1). Last evaluated 2023-04-16.

Conditions:
Hereditary cancer-predisposing syndrome. Also called: Neoplastic Syndromes, Hereditary; Hereditary neoplastic syndrome; Tumor predisposition; Hereditary Cancer Syndrome. Identifiers: Orphanet 140162, MedGen C0027672, MeSH D009386, MONDO:0015356.
Cardiovascular phenotype. Identifiers: MedGen CN230736.

Submissions (2):

Labcorp Genetics (formerly Invitae), Labcorp
Classification: Likely benign. Last evaluated: 2023-04-16. Review status: criteria provided, single submitter. Criteria: Invitae Variant Classification Sherloc (09022015). Collection method: clinical testing. Allele origin: germline.

Ambry Genetics
Classification: Uncertain significance for Cardiovascular phenotype; Hereditary cancer-predisposing syndrome. Last evaluated: 2023-02-02. Review status: criteria provided, single submitter. Criteria: Ambry Variant Classification Scheme 2023. Collection method: clinical testing. Allele origin: germline.
Comment: The c.381G>T variant (also known as p.G127G), located in coding exon 4 of the LZTR1 gene, results from a G to T substitution at nucleotide position 381. This nucleotide substitution does not change the at codon 127. This nucleotide position is not well conserved in available vertebrate species. In silico splice site analysis predicts that this alteration will not have any significant effect on splicing. RNA studies have demonstrated that this alteration results in a splice defect involving exons excluded from naturally occurring transcripts; the clinical impact of this abnormal splicing is unknown at this time (Ambry internal data). Since supporting evidence is limited at this time, the clinical significance of this alteration remains unclear.